The following is an entry in ClinVar:

ClinVar aggregate classification (germline): Uncertain significance (1 of 4 stars; one submission).

Conditions:
Pulmonary hypertension, primary, 4. Identifiers: Orphanet 422, MedGen C3809198, MONDO:0014136, OMIM 615344.

Allele frequency attached by ClinVar (database versions not stated): TOPMed below 0.00001; gnomAD 0.00001.

Submission:

Labcorp Genetics (formerly Invitae), Labcorp
Classification: Uncertain significance for Pulmonary hypertension, primary, 4. Last evaluated: 2022-08-23. Review status: criteria provided, single submitter. Criteria: Invitae Variant Classification Sherloc (09022015). Collection method: clinical testing. Allele origin: germline.
Comment: ClinVar contains an entry for this variant (Variation ID: 576185). This missense change has been observed in individual(s) with pulmonary arterial hypertension (PMID: 30578397). This variant is not present in population databases (gnomAD no frequency). This sequence change replaces arginine, which is basic and polar, with histidine, which is basic and polar, at codon 390 of the KCNK3 protein (p.Arg390His). Algorithms developed to predict the effect of missense changes on protein structure and function are either unavailable or do not agree on the potential impact of this missense change (SIFT: "Deleterious"; PolyPhen-2: "Probably Damaging"; Align-GVGD: "Class C0"). In summary, the available evidence is currently insufficient to determine the role of this variant in disease. Therefore, it has been classified as a Variant of Uncertain Significance.

Literature cited by the submitters: PubMed 30578397.

NM_002246.3(KCNK3):c.1169G>A (p.Arg390His)

Gene: KCNK3 (potassium two pore domain channel subfamily K member 3; plus strand). Cytogenetic location: 2p23.3.
Variant type: single nucleotide variant.
Coding change: c.1169G>A on transcript NM_002246.3 (MANE Select); coding-DNA position 1169, G replaced by A.
Protein change: p.Arg390His; replaces arginine 390 with histidine.
Molecular consequence: missense variant.
Genome position (GRCh38, 1-based): chr2:26,728,552, G>A. VCF-style: chr2-26728552-G-A. GRCh37 (hg19) VCF-style: chr2-26951420-G-A.
Other names: short protein forms R390H.
Identifiers: ClinVar variation 576185 (VCV000576185.8), dbSNP rs868278570, ClinGen allele CA44398373.